The following is an entry in ClinVar:

NM_022552.5(DNMT3A):c.2386G>T (p.Gly796Cys)

Gene: DNMT3A (DNA methyltransferase 3 alpha; minus strand). Cytogenetic location: 2p23.3.
Variant type: single nucleotide variant.
Coding change: c.2386G>T on transcript NM_022552.5 (MANE Select); coding-DNA position 2386, G replaced by T.
Protein change: p.Gly796Cys; replaces glycine 796 with cysteine.
Molecular consequence: missense variant. On other transcripts: non-coding transcript variant (1).
Genome position (GRCh38, 1-based): chr2:25,239,152, C>A on the plus strand (G>T on the coding strand, the complement: DNMT3A is on the minus strand). VCF-style: chr2-25239152-C-A. GRCh37 (hg19) VCF-style: chr2-25462021-C-A.
Other names: c.1930G>T, p.Gly644Cys (NM_001320893.1); c.1717G>T, p.Gly573Cys (NM_001375819.1); c.1819G>T, p.Gly607Cys (NM_153759.3); c.2386G>T, p.Gly796Cys (NM_175629.2); short protein forms G644C, G573C, G796C, G607C.
Identifiers: ClinVar variation 3841813 (VCV003841813.1).

ClinVar aggregate classification (germline): Likely pathogenic (1 of 4 stars; one submission).

Conditions:
Inborn genetic diseases. Identifiers: MedGen C0950123, MeSH D030342.

gnomAD v4.1: 2 of 1,614,038 alleles (0.00012%); highest among the groups gnomAD compares: African/African-American, 0.0013%; no homozygotes.

Submission:

Ambry Genetics
Classification: Likely pathogenic for Inborn genetic diseases. Last evaluated: 2025-01-28. Review status: criteria provided, single submitter. Criteria: Ambry Variant Classification Scheme 2023. Collection method: clinical testing. Allele origin: germline.
Comment: The c.2386G>T (p.G796C) alteration is located in exon 20 (coding exon 19) of the DNMT3A gene. This alteration results from a G to T substitution at nucleotide position 2386, causing the glycine (G) at amino acid position 796 to be replaced by a cysteine (C). for Tatton-Brown-Rahman syndrome; however, its clinical significance for Heyn-Sproul-Jackson syndrome is uncertain. This variant was not reported in population-based cohorts in the Genome Aggregation Database (gnomAD). This amino acid position is highly conserved in available vertebrate species. Functional studies suggest a partial loss of protein stability; however, the physiological relevance of this finding is unclear (Huang, 2022). This alteration is predicted to be deleterious by in silico analysis. Based on the available evidence, this alteration is classified as likely pathogenic.

Literature cited by the submitters: PubMed 34429321.